The following is an entry in ClinVar:

ClinVar aggregate classification (germline): Uncertain significance (1 of 4 stars; one submission).

Allele frequency attached by ClinVar (database versions not stated): ExAC 0.00005; gnomAD exomes 0.00006; TOPMed 0.00006; gnomAD 0.00009.
gnomAD v4.1: 159 of 1,594,816 alleles (0.01%); highest among the groups gnomAD compares: Middle Eastern, 0.017%; no homozygotes.

Submission:

Labcorp Genetics (formerly Invitae), Labcorp
Classification: Uncertain significance. Last evaluated: 2025-10-02. Review status: criteria provided, single submitter. Criteria: Invitae Variant Classification Sherloc (09022015). Collection method: clinical testing. Allele origin: germline.
Comment: This sequence change falls in intron 6 of the HMCN1 gene. It does not directly change the encoded amino acid sequence of the HMCN1 protein. It affects a nucleotide within the consensus splice site. This variant is present in population databases (rs764319560, gnomAD 0.02%). This variant has not been reported in the literature in individuals affected with HMCN1-related conditions. ClinVar contains an entry for this variant (Variation ID: 1401175). Variants that disrupt the consensus splice site are a relatively common cause of aberrant splicing (PMID: 17576681, 9536098). Algorithms developed to predict the effect of sequence changes on RNA splicing suggest that this variant is not likely to affect RNA splicing. In summary, the available evidence is currently insufficient to determine the role of this variant in disease. Therefore, it has been classified as a Variant of Uncertain Significance.

Literature cited by the submitters: PubMed 17576681; PubMed 9536098.

NM_031935.3(HMCN1):c.900+4C>T

Gene: HMCN1 (hemicentin 1; plus strand). Cytogenetic location: 1q31.1.
Variant type: single nucleotide variant.
Coding change: c.900+4C>T on transcript NM_031935.3 (MANE Select); 4 bases into the intron after coding-DNA position 900, C replaced by T.
Molecular consequence: intron variant.
Genome position (GRCh38, 1-based): chr1:185,911,784, C>T. VCF-style: chr1-185911784-C-T. GRCh37 (hg19) VCF-style: chr1-185880916-C-T.
Identifiers: ClinVar variation 1401175 (VCV001401175.7), dbSNP rs764319560, ClinGen allele CA1290974.
Genomic context (GRCh38, chr1:185,911,784, plus strand): 5'-AACTCTGCCAAAGTAGTGAATGTGAAAGAGCCAGAGGCTGGAATGTGGACAGTGAAGGTA[C>T]GGTTGTTTCACAAAGTTTGTTTATTGTTTTATTTTGAAGTTGGCATTTTTCATGAAGTAT-3'